The following is an entry in ClinVar:

NM_000169.3(GLA):c.639+31C>G

Genes: GLA (galactosidase alpha; minus strand), RPL36A-HNRNPH2 (RPL36A-HNRNPH2 readthrough; plus strand). Cytogenetic location: Xq22.1.
Variant type: single nucleotide variant.
Coding change: c.639+31C>G on transcript NM_000169.3 (MANE Select); 31 bases into the intron after coding-DNA position 639, C replaced by G.
Molecular consequence: intron variant.
Genome position (GRCh38, 1-based): chrX:101,400,635, G>C on the plus strand (C>G on the coding strand, the complement: GLA is on the minus strand). VCF-style: chrX-101400635-G-C. GRCh37 (hg19) VCF-style: chrX-100655623-G-C.
Other names: c.300+5178G>C (NM_001199973.2); c.177+8813G>C (NM_001199974.2); c.762+31C>G (NM_001406747.1); c.639+31C>G (NM_001406748.1).
Identifiers: ClinVar variation 4087115 (VCV004087115.2).

ClinVar aggregate classification (germline): Likely benign (1 of 4 stars; one submission).

Conditions:
Fabry disease. Also called: ALPHA-GALACTOSIDASE A DEFICIENCY; ANDERSON-FABRY DISEASE; CERAMIDE TRIHEXOSIDASE DEFICIENCY; GLA DEFICIENCY; HEREDITARY DYSTOPIC LIPIDOSIS; Angiokeratoma corporis diffusum. Identifiers: Orphanet 324, MedGen C0002986, MONDO:0010526, OMIM 301500, HP:0001071. Disease mechanism: Fabry disease is due to inactivating mutations in the X-linked GLA gene resulting in deficiency of the enzyme Alpha Galactosidase-A., loss of function.

gnomAD v4.1: 24 of 819,162 alleles (0.0029%); highest among the groups gnomAD compares: African/African-American, 0.028%; no homozygotes.

Submission:

Genomenon, Inc
Classification: Likely benign for Fabry disease. Last evaluated: 2026-09-08. Review status: criteria provided, single submitter. Criteria: Genomenon Sequence Variant Interpretation Standards - Updated. Collection method: curation. Allele origin: germline. Affected: no.
Comment: GLA c.639+31C>G is an intronic variant located in intron 4. This variant has been reported in the published literature (PMID:30471092). It is absent or not present at a significant frequency in gnomAD. This variant is not predicted to impact splicing. In conclusion, we classify GLA c.639+31C>G as a likely benign variant.

Literature cited by the submitters: PubMed 30471092.